The following is an entry in ClinVar:

ClinVar aggregate classification (germline): Uncertain significance (1 of 4 stars; one submission).

Conditions:
Inborn genetic diseases. Identifiers: MedGen C0950123, MeSH D030342.

Submission:

Ambry Genetics
Classification: Uncertain significance for Inborn genetic diseases. Last evaluated: 2024-12-09. Review status: criteria provided, single submitter. Criteria: Ambry Variant Classification Scheme 2023. Collection method: clinical testing. Allele origin: germline.
Comment: The p.P165R variant (also known as c.494C>G), located in coding exon 5 of the RECQL4 gene, results from a C to G substitution at nucleotide position 494. The proline at codon 165 is replaced by arginine, an amino acid with dissimilar properties. This amino acid position is conserved. In addition, this alteration is predicted to be tolerated by in silico analysis. Based on the available evidence, the clinical significance of this variant remains unclear.

NM_004260.4(RECQL4):c.494C>G (p.Pro165Arg)

Gene: RECQL4 (RecQ like helicase 4; minus strand). Cytogenetic location: 8q24.3.
Variant type: single nucleotide variant.
Coding change: c.494C>G on transcript NM_004260.4 (MANE Select); coding-DNA position 494, C replaced by G.
Protein change: p.Pro165Arg; replaces proline 165 with arginine.
Molecular consequence: missense variant. On other transcripts: 5 prime UTR variant (15), non-coding transcript variant (3), intron variant (3).
Genome position (GRCh38, 1-based): chr8:144,516,625, G>C on the plus strand (C>G on the coding strand, the complement: RECQL4 is on the minus strand). VCF-style: chr8-144516625-G-C. GRCh37 (hg19) VCF-style: chr8-145742009-G-C.
Other names: c.494C>G, p.Pro165Arg (NM_001413017.1, NM_001413018.1, NM_001413019.1 and 4 more transcripts); c.-578C>G (NM_001413022.1, NM_001413023.1, NM_001413024.1 and 5 more transcripts); c.365C>G, p.Pro122Arg (NM_001413025.1); c.-640C>G (NM_001413027.1, NM_001413030.1, NM_001413031.1 and 2 more transcripts); c.-482C>G (NM_001413034.1); c.-847C>G (NM_001413043.1); c.355-212C>G (NM_001413029.1); c.-366-212C>G (NM_001413021.1); and 1 more; short protein forms P122R, P165R.
Identifiers: ClinVar variation 3431928 (VCV003431928.1).